The following is an entry in ClinVar:

NM_001267550.2(TTN):c.85029T>A (p.Thr28343=)

Genes: TTN (titin; minus strand), TTN-AS1 (TTN antisense RNA 1; plus strand). Cytogenetic location: 2q31.2.
Variant type: single nucleotide variant.
Coding change: c.85029T>A on transcript NM_001267550.2 (MANE Select); coding-DNA position 85029, T replaced by A.
Protein change: p.Thr28343=; no amino-acid change (threonine 28343 retained).
Molecular consequence: synonymous variant.
Genome position (GRCh38, 1-based): chr2:178,561,103, A>T on the plus strand (T>A on the coding strand, the complement: TTN is on the minus strand). VCF-style: chr2-178561103-A-T. GRCh37 (hg19) VCF-style: chr2-179425830-A-T.
Other names: c.80106T>A, p.Thr26702= (NM_001256850.1); c.57834T>A, p.Thr19278= (NM_003319.4); c.77325T>A, p.Thr25775= (NM_133378.4); c.58209T>A, p.Thr19403= (NM_133432.3); c.58410T>A, p.Thr19470= (NM_133437.4).
Identifiers: ClinVar variation 671660 (VCV000671660.4), dbSNP rs371969664, ClinGen allele CA1988707.
Genomic context (GRCh38, chr2:178,561,103, plus strand): 5'-GAACTTGACATCCATCATAACTCTTGGAGGCTCAACATCATCTTTAACTATAATAGGCCC[A>T]GTGGATTCAGATGGCTCACTAACTGAGTCAGCAGCATTCCTTGCAAAAACCCGGAATTCA-3'
Protein context (NP_001254479.2, residues 28333-28353): ADSVSEPSES[Thr28343=]GPIIVKDDVE

ClinVar aggregate classification (germline): Likely benign. Review status: criteria provided, multiple submitters, no conflicts (2 of 4 stars). 3 submissions from 3 submitters: Likely benign (3). Last evaluated 2025-10-29.

Conditions:
TTN-related disorder. Also called: TTN-related disorders; TTN-related condition; TTN-related disease.
Cardiovascular phenotype. Identifiers: MedGen CN230736.

Allele frequency attached by ClinVar (database versions not stated): gnomAD 0.00001; gnomAD exomes 0.00001 and 0.00002; TOPMed 0.00001; ExAC 0.00002; ESP Exome Variant Server 0.00008.
gnomAD v4.1: 29 of 1,613,764 alleles (0.0018%); highest among the groups gnomAD compares: Non-Finnish European, 0.0024%; no homozygotes.

Submissions (3):

PreventionGenetics, part of Exact Sciences
Classification: Likely benign for TTN-related condition. Last evaluated: 2025-10-29. Review status: criteria provided, single submitter. Criteria: ACMG Guidelines, 2015. Collection method: clinical testing. Allele origin: germline.
Comment: This variant is classified as likely benign based on ACMG/AMP sequence variant interpretation guidelines (Richards et al. 2015 PMID: 25741868, with internal and published modifications).

Ambry Genetics
Classification: Likely benign for Cardiovascular phenotype. Last evaluated: 2023-03-24. Review status: criteria provided, single submitter. Criteria: Ambry Variant Classification Scheme 2023. Collection method: clinical testing. Allele origin: germline.

GeneDx
Classification: Likely benign. Last evaluated: 2018-06-05. Review status: criteria provided, single submitter. Criteria: GeneDx Variant Classification (06012015). Collection method: clinical testing. Allele origin: germline. Affected: yes.
Comment: This variant is considered likely benign or benign based on one or more of the following criteria: it is a conservative change, it occurs at a poorly conserved position in the protein, it is predicted to be benign by multiple in silico algorithms, and/or has population frequency not consistent with disease.